The following is an entry in ClinVar:

NM_016507.4(CDK12):c.704A>G (p.Asp235Gly)

Genes: CDK12 (cyclin dependent kinase 12; plus strand), LOC126862553 (CDK7 strongly-dependent group 2 enhancer GRCh37_chr17:37618166-37619365; plus strand). Cytogenetic location: 17q12.
Variant type: single nucleotide variant.
Coding change: c.704A>G on transcript NM_016507.4 (MANE Select); coding-DNA position 704, A replaced by G.
Protein change: p.Asp235Gly; replaces aspartic acid 235 with glycine.
Molecular consequence: missense variant.
Genome position (GRCh38, 1-based): chr17:39,462,775, A>G. VCF-style: chr17-39462775-A-G. GRCh37 (hg19) VCF-style: chr17-37619028-A-G.
Other names: c.704A>G, p.Asp235Gly (NM_015083.4); short protein forms D235G.
Identifiers: ClinVar variation 3830362 (VCV003830362.1).
Genomic context (GRCh38, chr17:39,462,775, plus strand): 5'-GCCCAAAACGGAGATCCAGGAGCCCCCACAGGAAGTGGTCTGACAGCTCCAAACAAGATG[A>G]TAGCCCCTCGGGAGCTTCTTATGGCCAAGATTATGACCTTAGTCCCTCACGATCTCATAC-3'
Protein context (NP_057591.2, residues 225-245): RKWSDSSKQD[Asp235Gly]SPSGASYGQD

ClinVar aggregate classification (germline): Uncertain significance (1 of 4 stars; one submission).

gnomAD v4.1: 2 of 1,614,186 alleles (0.00012%); highest among the groups gnomAD compares: Admixed American, 0.0017%; no homozygotes.

Submission:

Ambry Genetics
Classification: Uncertain significance. Last evaluated: 2024-12-16. Review status: criteria provided, single submitter. Criteria: Ambry Variant Classification Scheme 2023. Collection method: clinical testing. Allele origin: germline.
Comment: The p.D235G variant (also known as c.704A>G), located in coding exon 1 of the CDK12 gene, results from an A to G substitution at nucleotide position 704. The aspartic acid at codon 235 is replaced by glycine, an amino acid with similar properties. This amino acid position is conserved. In addition, this alteration is predicted to be tolerated by in silico analysis. Based on the available evidence, the clinical significance of this variant remains unclear.